The following is an entry in ClinVar:

ClinVar aggregate classification (germline): Pathogenic. Review status: criteria provided, multiple submitters, no conflicts (2 of 4 stars). 2 submissions from 2 submitters: Pathogenic (2). Last evaluated 2023-10-05.

Conditions:
Bethlem myopathy 1A. Also called: Bethlem myopathy 1; Bethlem Muscular Dystrophy; MYOPATHY, BENIGN CONGENITAL, WITH CONTRACTURES. Identifiers: Orphanet 610, MedGen CN029274, MONDO:0024530, OMIM 158810.
Bethlem myopathy 1B (BTHLM1B). Identifiers: MedGen C5935580, MONDO:0958233, OMIM 620725.

Allele frequency attached by ClinVar (database versions not stated): gnomAD exomes below 0.00001.
gnomAD v4.1: 3 of 1,612,796 alleles (0.00019%); highest among the groups gnomAD compares: Admixed American, 0.0017%; no homozygotes.

Submissions (2):

Labcorp Genetics (formerly Invitae), Labcorp
Classification: Pathogenic for Bethlem myopathy 1A. Last evaluated: 2023-10-05. Review status: criteria provided, single submitter. Criteria: Invitae Variant Classification Sherloc (09022015). Collection method: clinical testing. Allele origin: germline.
Comment: This sequence change creates a premature translational stop signal (p.Gln664*) in the COL6A2 gene. It is expected to result in an absent or disrupted protein product. Loss-of-function variants in COL6A2 are known to be pathogenic (PMID: 19884007, 20976770). This variant is present in population databases (no rsID available, gnomAD 0.003%). This variant has not been reported in the literature in individuals affected with COL6A2-related conditions. For these reasons, this variant has been classified as Pathogenic.

Kasturba Medical College, Manipal, Kasturba Medical College, Manipal, Manipal Academy of Higher Education, Manipal, India
Classification: Pathogenic for Bethlem myopathy 1B. Review status: criteria provided, single submitter. Criteria: ACMG Guidelines, 2015. Collection method: clinical testing. Allele origin: biparental. Inheritance: Autosomal recessive inheritance. Affected: yes. Observed: 1 homozygote.
Comment: This variant is likely to result in premature truncation of the transcript which can lead to either nonsense-mediated mRNA decay or the formation of a truncated COL6A2 protein product. This variant has been reported in the ClinVar database (ClinVar: 2765800). Thus, the above-mentioned variant in homozygous state is interpreted to be the cause for the condition observed in him.

Literature cited by the submitters: PubMed 19884007 (cited by Labcorp Genetics (formerly Invitae), Labcorp); PubMed 20976770 (cited by Labcorp Genetics (formerly Invitae), Labcorp).

NM_001849.4(COL6A2):c.1990C>T (p.Gln664Ter)

Gene: COL6A2 (collagen type VI alpha 2 chain; plus strand). Cytogenetic location: 21q22.3.
Variant type: single nucleotide variant.
Coding change: c.1990C>T on transcript NM_001849.4 (MANE Select); coding-DNA position 1990, C replaced by T.
Protein change: p.Gln664Ter; replaces glutamine 664 with a stop codon.
Molecular consequence: nonsense.
Genome position (GRCh38, 1-based): chr21:46,125,805, C>T. VCF-style: chr21-46125805-C-T. GRCh37 (hg19) VCF-style: chr21-47545719-C-T.
Other names: c.1990C>T, p.Gln664Ter (NM_058174.3, NM_058175.3); short protein forms Q664*.
Identifiers: ClinVar variation 2765800 (VCV002765800.5), dbSNP rs1382122104, ClinGen allele CA410539608.
Genomic context (GRCh38, chr21:46,125,805, plus strand): 5'-CCGAGGCCTCTGGCAACGACCTCACGCGTGCGGCTTGCAGGGACGCGTGTGGGCGTGGTG[C>T]AGTACAGCCACGAGGGCACCTTTGAGGCCATCCAGCTGGACGACGAACGTATCGACTCCC-3'